The following is an entry in ClinVar:

NM_007126.5(VCP):c.628A>C (p.Arg210=)

Gene: VCP (valosin containing protein; minus strand). Cytogenetic location: 9p13.3.
Variant type: single nucleotide variant.
Coding change: c.628A>C on transcript NM_007126.5 (MANE Select); coding-DNA position 628, A replaced by C.
Protein change: p.Arg210=; no amino-acid change (arginine 210 retained).
Molecular consequence: synonymous variant.
Genome position (GRCh38, 1-based): chr9:35,064,234, T>G on the plus strand (A>C on the coding strand, the complement: VCP is on the minus strand). VCF-style: chr9-35064234-T-G. GRCh37 (hg19) VCF-style: chr9-35064231-T-G.
Other names: c.493A>C, p.Arg165= (NM_001354927.2, NM_001354928.2).
Identifiers: ClinVar variation 743902 (VCV000743902.22), dbSNP rs755168304, ClinGen allele CA5039415.

ClinVar aggregate classification (germline): Likely benign. Review status: criteria provided, multiple submitters, no conflicts (2 of 4 stars). 2 submissions from 2 submitters: Likely benign (2). Last evaluated 2026-01-11.

Conditions:
Frontotemporal dementia and/or amyotrophic lateral sclerosis 6 (FTDALS6). Also called: VCP-Related Amyotrophic Lateral Sclerosis/Frontotemporal Dementia; VCP-Related Amyotrophic Lateral Sclerosis. Identifiers: Orphanet 275872, Orphanet 803, MedGen C5436279, MONDO:0013501, OMIM 613954.
Inclusion body myopathy with Paget disease of bone and frontotemporal dementia. Also called: Inclusion body myopathy with early-onset Paget disease and frontotemporal dementia. Identifiers: Orphanet 52430, MedGen C1833662, MONDO:0000507.

Allele frequency attached by ClinVar (database versions not stated): gnomAD exomes below 0.00001 and 0.00001; ExAC 0.00001; gnomAD 0.00001; TOPMed 0.00001.
gnomAD v4.1: 10 of 1,614,094 alleles (0.00062%); highest among the groups gnomAD compares: Non-Finnish European, 0.00085%; no homozygotes.

Submissions (2):

Labcorp Genetics (formerly Invitae), Labcorp
Classification: Likely benign for Inclusion body myopathy with Paget disease of bone and frontotemporal dementia; Frontotemporal dementia and/or amyotrophic lateral sclerosis 6. Last evaluated: 2026-01-11. Review status: criteria provided, single submitter. Criteria: Invitae Variant Classification Sherloc (09022015). Collection method: clinical testing. Allele origin: germline.

CeGaT Center for Human Genetics Tuebingen
Classification: Likely benign. Last evaluated: 2025-01-01. Review status: criteria provided, single submitter. Criteria: CeGaT Center For Human Genetics Tuebingen Variant Classification Criteria Version 2. Collection method: clinical testing. Allele origin: germline. Affected: yes. Observed: 1 variant allele.
Comment: VCP: BP4, BP7